The following is an entry in ClinVar:

ClinVar aggregate classification (germline): Uncertain significance (1 of 4 stars; one submission).

gnomAD v4.1: 19 of 1,614,120 alleles (0.0012%); highest among the groups gnomAD compares: Admixed American, 0.0017%; no homozygotes.

Submission:

Ambry Genetics
Classification: Uncertain significance. Last evaluated: 2025-06-28. Review status: criteria provided, single submitter. Criteria: Ambry Variant Classification Scheme 2023. Collection method: clinical testing. Allele origin: germline.
Comment: The p.P585R variant (also known as c.1754C>G), located in coding exon 2 of the CDK12 gene, results from a C to G substitution at nucleotide position 1754. The proline at codon 585 is replaced by arginine, an amino acid with dissimilar properties. This amino acid position is conserved. In addition, this alteration is predicted to be tolerated by in silico analysis. Based on the available evidence, the clinical significance of this variant remains unclear.

NM_016507.4(CDK12):c.1754C>G (p.Pro585Arg)

Gene: CDK12 (cyclin dependent kinase 12; plus strand). Cytogenetic location: 17q12.
Variant type: single nucleotide variant.
Coding change: c.1754C>G on transcript NM_016507.4 (MANE Select); coding-DNA position 1754, C replaced by G.
Protein change: p.Pro585Arg; replaces proline 585 with arginine.
Molecular consequence: missense variant.
Genome position (GRCh38, 1-based): chr17:39,471,586, C>G. VCF-style: chr17-39471586-C-G. GRCh37 (hg19) VCF-style: chr17-37627839-C-G.
Other names: c.1754C>G, p.Pro585Arg (NM_015083.4); short protein forms P585R.
Identifiers: ClinVar variation 4224239 (VCV004224239.1).
Genomic context (GRCh38, chr17:39,471,586, plus strand): 5'-CTCTGCCTCCTTCTCAGCCAGCATTTAGTCAGGTTCCTGCTTCCAGTACTTCAACTTTGC[C>G]CCCTTCTACTCACTCAAAGACATCTGCTGTGTCCTCTCAGGCAAATTCTCAGCCCCCTGT-3'
Protein context (NP_057591.2, residues 575-595): QVPASSTSTL[Pro585Arg]PSTHSKTSAV